The following is an entry in ClinVar:

NM_003442.6(ZNF143):c.645+2T>C

Gene: ZNF143 (zinc finger protein 143; plus strand). Cytogenetic location: 11p15.4.
Variant type: single nucleotide variant.
Coding change: c.645+2T>C on transcript NM_003442.6 (MANE Select); the canonical splice donor site of the intron after coding-DNA position 645, T replaced by C.
Molecular consequence: splice donor variant.
Genome position (GRCh38, 1-based): chr11:9,479,548, T>C. VCF-style: chr11-9479548-T-C. GRCh37 (hg19) VCF-style: chr11-9501095-T-C.
Other names: c.642+2T>C (NM_001282656.2); c.552+2T>C (NM_001282657.2).
Identifiers: ClinVar variation 3713535 (VCV003713535.2).

ClinVar aggregate classification (germline): Uncertain significance (1 of 4 stars; one submission).

gnomAD v4.1: 37 of 1,610,532 alleles (0.0023%); highest among the groups gnomAD compares: South Asian, 0.04%; no homozygotes.

Submission:

Labcorp Genetics (formerly Invitae), Labcorp
Classification: Uncertain significance. Last evaluated: 2024-11-03. Review status: criteria provided, single submitter. Criteria: Invitae Variant Classification Sherloc (09022015). Collection method: clinical testing. Allele origin: germline.
Comment: This sequence change affects a donor splice site in intron 7 of the ZNF143 gene. It is expected to disrupt RNA splicing. Variants that disrupt the donor or acceptor splice site typically lead to a loss of protein function (PMID: 16199547), however the current clinical and genetic evidence is not sufficient to establish whether loss-of-function variants in ZNF143 cause disease. This variant is present in population databases (rs530799575, gnomAD 0.04%). This variant has not been reported in the literature in individuals affected with ZNF143-related conditions. Algorithms developed to predict the effect of sequence changes on RNA splicing suggest that this variant may disrupt the consensus splice site. In summary, the available evidence is currently insufficient to determine the role of this variant in disease. Therefore, it has been classified as a Variant of Uncertain Significance.

Literature cited by the submitters: PubMed 16199547.